The following is an entry in ClinVar:

ClinVar aggregate classification (germline): Uncertain significance (1 of 4 stars; one submission).

Conditions:
Early-infantile DEE. Also called: Ohtahara syndrome; Early infantile epileptic encephalopathy with suppression bursts; Early infantile epileptic encephalopathy. Identifiers: Orphanet 1934, MedGen C0393706, MONDO:0800491.

Submission:

Labcorp Genetics (formerly Invitae), Labcorp
Classification: Uncertain significance for Early-infantile DEE. Last evaluated: 2022-02-17. Review status: criteria provided, single submitter. Criteria: Invitae Variant Classification Sherloc (09022015). Collection method: clinical testing. Allele origin: germline.
Comment: In summary, the available evidence is currently insufficient to determine the role of this variant in disease. Therefore, it has been classified as a Variant of Uncertain Significance. Algorithms developed to predict the effect of sequence changes on RNA splicing suggest that this variant may disrupt the consensus splice site. This variant has not been reported in the literature in individuals affected with SLC25A22-related conditions. This variant is present in population databases (no rsID available, gnomAD 0.0009%). This sequence change falls in intron 3 of the SLC25A22 gene. It does not directly change the encoded amino acid sequence of the SLC25A22 protein.

NM_001191061.2(SLC25A22):c.147-7del

Gene: SLC25A22 (solute carrier family 25 member 22; minus strand). Cytogenetic location: 11p15.5.
Variant type: Deletion.
Coding change: c.147-7del on transcript NM_001191061.2 (MANE Select); 7 bases into the intron before coding-DNA position 147, one base deleted (G; older notation c.147-7delG).
Molecular consequence: intron variant.
Genome position (GRCh38, 1-based): chr11:794,520, C deleted on the plus strand (G on the coding strand, the reverse complement: SLC25A22 is on the minus strand); the first of 2 consecutive C bases (chr11:794,520-794,521); deleting either gives the same sequence. VCF-style (leftmost placement, unchanged base first): chr11-794519-GC-G. GRCh37 (hg19) VCF-style: chr11-794519-GC-G.
Other names: c.147-7del (NM_001191060.2, NM_024698.6).
Identifiers: ClinVar variation 2088667 (VCV002088667.4), dbSNP rs1223760812, ClinGen allele CA597022086.
Genomic context (GRCh38, chr11:794,519, plus strand): 5'-CCGGTACATGCCGAAGTAGCCCTCGGAGCGGACGGTCTTGATGAGGCAGTCGGACCTGTG[GC>G]CAAGGGGACAGGGTGAGCCAGGGCCAGCTGGGGCCAGCCGGAGGCCAGGGTCCCTGGACT-3'